The following is an entry in ClinVar:

NM_000179.3(MSH6):c.558C>G (p.Asp186Glu)

Gene: MSH6 (mutS homolog 6; plus strand). Cytogenetic location: 2p16.3.
Variant type: single nucleotide variant.
Coding change: c.558C>G on transcript NM_000179.3 (MANE Select); coding-DNA position 558, C replaced by G.
Protein change: p.Asp186Glu; replaces aspartic acid 186 with glutamic acid.
Molecular consequence: missense variant. On other transcripts: 5 prime UTR variant (1), intron variant (2).
Genome position (GRCh38, 1-based): chr2:47,795,994, C>G. VCF-style: chr2-47795994-C-G. GRCh37 (hg19) VCF-style: chr2-48023133-C-G.
Other names: p.D186E:GAC>GAG; c.-345C>G (NM_001281494.2); c.-279-2617C>G (NM_001281493.2); c.238-2617C>G (NM_001281492.2); short protein forms D186E.
Identifiers: ClinVar variation 127600 (VCV000127600.16), dbSNP rs587779943, ClinGen allele CA015863.

ClinVar aggregate classification (germline): Conflicting classifications of pathogenicity. Review status: criteria provided, conflicting classifications (1 of 4 stars). 5 submissions from 5 submitters: Uncertain significance (3); Likely benign (2). Last evaluated 2025-10-31.

Conditions:
Hereditary cancer-predisposing syndrome. Also called: Hereditary Cancer Syndrome; Hereditary neoplastic syndrome; Tumor predisposition; Neoplastic Syndromes, Hereditary. Identifiers: Orphanet 140162, MedGen C0027672, MeSH D009386, MONDO:0015356.
Hereditary nonpolyposis colorectal neoplasms. Identifiers: MedGen C0009405, MeSH D003123.

Allele frequency attached by ClinVar (database versions not stated): TOPMed below 0.00001; gnomAD 0.00001.
gnomAD v4.1: 7 of 1,613,798 alleles (0.00043%); highest among the groups gnomAD compares: East Asian, 0.0067%; no homozygotes.

Submissions (5):

Ambry Genetics
Classification: Likely benign for Hereditary cancer-predisposing syndrome. Last evaluated: 2025-10-31. Review status: criteria provided, single submitter. Criteria: Ambry Variant Classification Scheme 2023. Collection method: clinical testing. Allele origin: germline.

Quest Diagnostics Nichols Institute San Juan Capistrano
Classification: Uncertain significance. Last evaluated: 2024-03-21. Review status: criteria provided, single submitter. Criteria: Quest Diagnostics criteria. Collection method: clinical testing. Allele origin: unknown.
Comment: The MSH6 c.558C>G (p.Asp186Glu) variant has been reported in the published literature in individuals with breast cancer as well as a reportedly healthy individual (PMID: 33471991 (2021), see also LOVD). The frequency of this variant in the general population, 0.000008 (2/251440 chromosomes (Genome Aggregation Database)), is uninformative in the assessment of its pathogenicity. Analysis of this variant using bioinformatics tools for the prediction of the effect of amino acid changes on protein structure and function yielded predictions that this variant is benign. Based on the available information, we are unable to determine the clinical significance of this variant.

Color Diagnostics, LLC DBA Color Health
Classification: Uncertain significance for Hereditary cancer-predisposing syndrome. Last evaluated: 2023-12-05. Review status: criteria provided, single submitter. Criteria: ACMG Guidelines, 2015. Collection method: clinical testing. Allele origin: germline.
Comment: This missense variant replaces aspartic acid with glutamic acid at codon 186 of the MSH6 protein. Computational prediction suggests that this variant may not impact protein structure and function (internally defined REVEL score threshold <= 0.5, PMID: 27666373). To our knowledge, functional studies have not been reported for this variant. This variant has not been reported in individuals affected with MSH6-related disorders in the literature. This variant has been identified in 2/251440 chromosomes in the general population by the Genome Aggregation Database (gnomAD). The available evidence is insufficient to determine the role of this variant in disease conclusively. Therefore, this variant is classified as a Variant of Uncertain Significance.

Labcorp Genetics (formerly Invitae), Labcorp
Classification: Likely benign for Hereditary nonpolyposis colorectal neoplasms. Last evaluated: 2022-02-20. Review status: criteria provided, single submitter. Criteria: Invitae Variant Classification Sherloc (09022015). Collection method: clinical testing. Allele origin: germline.

GeneDx
Classification: Uncertain significance. Last evaluated: 2014-03-24. Review status: criteria provided, single submitter. Criteria: GeneDx Variant Classification (06012015). Collection method: clinical testing. Allele origin: germline. Affected: yes.
Comment: This variant is denoted MSH6 c.558C>G at the cDNA level, p.Asp186Glu (D186E) at the protein level, and results in the change of an Aspartic Acid to a Glutamic Acid (GAC>GAG). This variant has not, to our knowledge, been published in the literature as pathogenic or benign. MSH6 Asp186Glu was not observed in approximately 6,500 individuals of European and African American ancestry in the NHLBI Exome Sequencing Project, indicating it is not a common benign variant in these populations. Since Aspartic Acid and Glutamic Acid share similar properties, this is considered a conservative amino acid substitution and is unlikely to affect protein integrity. MSH6 Asp186Glu occurs at a position that is well conserved across species and is not located in a known functional domain. In silico analyses are inconsistent regarding the effect this variant may have on protein structure and function. Based on currently available information, it is unclear whether MSH6 Asp186Glu is pathogenic or benign. We consider it to be a variant of uncertain significance.

Literature cited by the submitters: PubMed 33471991 (cited by Quest Diagnostics Nichols Institute San Juan Capistrano).